The following is an entry in ClinVar:

ClinVar aggregate classification (germline): Pathogenic (1 of 4 stars; one submission).

Submission:

Labcorp Genetics (formerly Invitae), Labcorp
Classification: Pathogenic. Last evaluated: 2021-01-19. Review status: criteria provided, single submitter. Criteria: Invitae Variant Classification Sherloc (09022015). Collection method: clinical testing. Allele origin: germline.
Comment: This variant is not present in population databases (ExAC no frequency). This sequence change creates a premature translational stop signal (p.Lys441*) in the C9 gene. It is expected to result in an absent or disrupted protein product. Loss-of-function variants in C9 are known to be pathogenic (PMID: 9144525, 9570574). For these reasons, this variant has been classified as Pathogenic. This variant has not been reported in the literature in individuals with C9-related conditions.

Literature cited by the submitters: PubMed 9144525; PubMed 9570574.

NM_001737.5(C9):c.1321A>T (p.Lys441Ter)

Gene: C9 (complement C9; minus strand). Cytogenetic location: 5p13.1.
Variant type: single nucleotide variant.
Coding change: c.1321A>T on transcript NM_001737.5 (MANE Select); coding-DNA position 1321, A replaced by T.
Protein change: p.Lys441Ter; replaces lysine 441 with a stop codon.
Molecular consequence: nonsense.
Genome position (GRCh38, 1-based): chr5:39,306,712, T>A on the plus strand (A>T on the coding strand, the complement: C9 is on the minus strand). VCF-style: chr5-39306712-T-A. GRCh37 (hg19) VCF-style: chr5-39306814-T-A.
Other names: short protein forms K441*.
Identifiers: ClinVar variation 1451163 (VCV001451163.6), dbSNP rs2111876683, ClinGen allele CA359553109.